The following is an entry in ClinVar:

ClinVar aggregate classification (germline): Pathogenic/Likely pathogenic. Review status: criteria provided, multiple submitters, no conflicts (2 of 4 stars). 7 submissions from 7 submitters: Pathogenic (4); Likely pathogenic (3). Last evaluated 2026-06-15.

Conditions:
Progressive familial intrahepatic cholestasis type 3. Also called: Low Gamma-GT Familial Intrahepatic Cholestasis; MDR3 DEFICIENCY. Identifiers: Orphanet 79305, MedGen C1865643, MONDO:0011214, OMIM 602347.
Low phospholipid associated cholelithiasis (GBD1). Also called: Gallbladder disease 1; Gallstone cholecystitis. Identifiers: Orphanet 69663, MedGen C2609268, MONDO:0010939, OMIM 600803.
ABCB4-related disorder. Also called: ABCB4-related disorders; ABCB4-related condition.
Progressive familial intrahepatic cholestasis type 1. Also called: BYLER DISEASE; Severe ATP8B1 Deficiency (Progressive Familial Intrahepatic Cholestasis Type 1 [PFIC1]); Byler's disease. Identifiers: Orphanet 79306, MedGen C4551898, MONDO:0008892, OMIM 211600.

Submissions (7):

PreventionGenetics, part of Exact Sciences
Classification: Likely pathogenic for ABCB4-related condition. Last evaluated: 2026-06-15. Review status: criteria provided, single submitter. Criteria: ACMG Guidelines, 2015. Collection method: clinical testing. Allele origin: germline.
Comment: The ABCB4 c.1553delT variant is predicted to result in a frameshift and premature protein termination (p.Leu518Tyrfs*16). This variant was reported in the heterozygous state an individual with ABCB4-associated autosomal dominant phenotypes (Wendum et al. 2012. PubMed ID: 22331132). This variant has not been reported in a large population database (gnomAD), indicating this variant is rare. Frameshift variants in ABCB4 are expected to be pathogenic. This variant is interpreted as likely pathogenic for both autosomal dominant and recessive ABCB4-related conditions.

Genomenon, Inc
Classification: Pathogenic for Low phospholipid associated cholelithiasis. Last evaluated: 2026-04-14. Review status: criteria provided, single submitter. Criteria: Genomenon Sequence Variant Interpretation Standards - Updated. Collection method: curation. Allele origin: germline. Affected: yes.
Comment: ABCB4 p.Leu518TyrfsTer16 (c.1553del) is a frameshift variant that results in the production of a truncated protein which is predicted to undergo nonsense-mediated mRNA decay. This variant has been observed in at least one proband with an ABCB4-related disorder (PMID:23533021). It is absent or not present at a significant frequency in gnomAD. In conclusion, we classify ABCB4 p.Leu518TyrfsTer16 (c.1553del) as a pathogenic variant.

GeneDx
Classification: Likely pathogenic. Last evaluated: 2025-03-02. Review status: criteria provided, single submitter. Criteria: GeneDx Variant Classification Process June 2021. Collection method: clinical testing. Allele origin: germline. Affected: yes.
Comment: Reported in the heterozygous state in a patient with complete low phospholipid associated cholelithiasis syndrome and intrahepatic cholestasis of pregnancy (PMID: 22331132); Frameshift variant predicted to result in protein truncation or nonsense mediated decay in a gene for which loss of function is a known mechanism of disease; Not observed at significant frequency in large population cohorts (gnomAD); This variant is associated with the following publications: (PMID: 22331132)

OLLIN Analises Genomicas, OLLIN
Classification: Likely pathogenic for Progressive familial intrahepatic cholestasis type 3. Last evaluated: 2024-10-28. Review status: criteria provided, single submitter. Criteria: ACMG Guidelines 2015 PMID 25741868. Collection method: clinical testing. Allele origin: germline. Affected: yes. Observed: 1 variant allele.
Comment: The frameshift variant (chr7:87440205 TA>T), located in exon 13 (of 28), is reported in ClinVar (VCV000595241.9) and in the scientific literature in heterozygosity in a patient with cholestasis (PMID: 23533021), but is not found in gnomAD v4.1 non-UKB. This variant promotes a frameshift with subsequent introduction of a premature stop codon, resulting in a truncated protein or mRNA degradation via nonsense-mediated decay (NMD). With the information currently available, and according to the ACMG and ClinGen criteria, this variant has been classified as likely pathogenic (PVS1, PM2_P).

Labcorp Genetics (formerly Invitae), Labcorp
Classification: Pathogenic. Last evaluated: 2024-05-14. Review status: criteria provided, single submitter. Criteria: Invitae Variant Classification Sherloc (09022015). Collection method: clinical testing. Allele origin: germline.
Comment: This sequence change creates a premature translational stop signal (p.Leu518Tyrfs*16) in the ABCB4 gene. It is expected to result in an absent or disrupted protein product. Loss-of-function variants in ABCB4 are known to be pathogenic (PMID: 17726488, 25755532). This variant is not present in population databases (gnomAD no frequency). This premature translational stop signal has been observed in individual(s) with low phospholipid-associated cholelithiasis and intrahepatic cholestasis of pregnancy (PMID: 22331132). ClinVar contains an entry for this variant (Variation ID: 595241). For these reasons, this variant has been classified as Pathogenic.

Mendelics
Classification: Pathogenic for Progressive familial intrahepatic cholestasis type 1. Last evaluated: 2019-05-28. Review status: criteria provided, single submitter. Criteria: Mendelics Assertion Criteria 2017. Collection method: clinical testing. Allele origin: unknown.

Eurofins Ntd Llc (ga)
Classification: Pathogenic. Last evaluated: 2017-12-05. Review status: criteria provided, single submitter. Criteria: EGL Classification Definitions 2015. Collection method: clinical testing. Allele origin: germline.

Literature cited by the submitters: PubMed 23533021 (cited by Genomenon, Inc and OLLIN Analises Genomicas, OLLIN); PubMed 17726488 (cited by Labcorp Genetics (formerly Invitae), Labcorp); PubMed 25755532 (cited by Labcorp Genetics (formerly Invitae), Labcorp); PubMed 22331132 (cited by Labcorp Genetics (formerly Invitae), Labcorp).

NM_000443.4(ABCB4):c.1553del (p.Leu518fs)

Gene: ABCB4 (ATP binding cassette subfamily B member 4; minus strand). Cytogenetic location: 7q21.12.
Variant type: Deletion.
Coding change: c.1553del on transcript NM_000443.4 (MANE Select); coding-DNA position 1553, one base deleted (T; older notation c.1553delT).
Protein change: p.Leu518fs; shifts the reading frame from leucine 518.
Molecular consequence: frameshift variant.
Genome position (GRCh38, 1-based): chr7:87,440,206, A deleted on the plus strand (T on the coding strand, the reverse complement: ABCB4 is on the minus strand); the first of 2 consecutive A bases (chr7:87,440,206-87,440,207); deleting either gives the same sequence. VCF-style (leftmost placement, unchanged base first): chr7-87440205-TA-T. GRCh37 (hg19) VCF-style: chr7-87069521-TA-T.
Other names: c.1553del, p.Leu518fs (NM_018849.3, NM_018850.3); c.1553delT (NM_000443.3); c.1553del (NM_000443.3); short protein forms L518fs.
Identifiers: ClinVar variation 595241 (VCV000595241.12), dbSNP rs1562976061, ClinGen allele CA913189582.